The following is an entry in ClinVar:

NM_000257.4(MYH7):c.5004G>T (p.Lys1668Asn)

Genes: MHRT (myosin heavy chain associated RNA transcript; plus strand), MYH7 (myosin heavy chain 7; minus strand), LOC126861897 (BRD4-independent group 4 enhancer GRCh37_chr14:23884455-23885654; plus strand). Cytogenetic location: 14q11.2.
Variant type: single nucleotide variant.
Coding change: c.5004G>T on transcript NM_000257.4 (MANE Select); coding-DNA position 5004, G replaced by T.
Protein change: p.Lys1668Asn; replaces lysine 1668 with asparagine.
Molecular consequence: missense variant. On other transcripts: non-coding transcript variant (1).
Genome position (GRCh38, 1-based): chr14:23,415,782, C>A on the plus strand (G>T on the coding strand, the complement: MYH7 is on the minus strand). VCF-style: chr14-23415782-C-A. GRCh37 (hg19) VCF-style: chr14-23884991-C-A.
Other names: c.5004G>T, p.Lys1668Asn (NM_001407004.1); short protein forms K1668N.
Identifiers: ClinVar variation 2853504 (VCV002853504.3), dbSNP rs781115033, ClinGen allele CA389037155.

ClinVar aggregate classification (germline): Uncertain significance (1 of 4 stars; one submission).

Conditions:
Hypertrophic cardiomyopathy. Also called: HYPERTROPHIC MYOCARDIOPATHY. Identifiers: Orphanet 217569, MedGen C0007194, MeSH D002312, MONDO:0005045, HP:0001639.

Submission:

Labcorp Genetics (formerly Invitae), Labcorp
Classification: Uncertain significance for Hypertrophic cardiomyopathy. Last evaluated: 2023-04-07. Review status: criteria provided, single submitter. Criteria: Invitae Variant Classification Sherloc (09022015). Collection method: clinical testing. Allele origin: germline.
Comment: In summary, the available evidence is currently insufficient to determine the role of this variant in disease. Therefore, it has been classified as a Variant of Uncertain Significance. Advanced modeling of protein sequence and biophysical properties (such as structural, functional, and spatial information, amino acid conservation, physicochemical variation, residue mobility, and thermodynamic stability) performed at Invitae indicates that this missense variant is expected to disrupt MYH7 protein function. This variant has not been reported in the literature in individuals affected with MYH7-related conditions. This variant is not present in population databases (gnomAD no frequency). This sequence change replaces lysine, which is basic and polar, with asparagine, which is neutral and polar, at codon 1668 of the MYH7 protein (p.Lys1668Asn).